The following is an entry in ClinVar:

NM_016169.4(SUFU):c.415G>C (p.Glu139Gln)

Gene: SUFU (SUFU negative regulator of hedgehog signaling; plus strand). Cytogenetic location: 10q24.32.
Variant type: single nucleotide variant.
Coding change: c.415G>C on transcript NM_016169.4 (MANE Select); coding-DNA position 415, G replaced by C.
Protein change: p.Glu139Gln; replaces glutamic acid 139 with glutamine.
Molecular consequence: missense variant.
Genome position (GRCh38, 1-based): chr10:102,550,067, G>C. VCF-style: chr10-102550067-G-C. GRCh37 (hg19) VCF-style: chr10-104309824-G-C.
Other names: c.415G>C, p.Glu139Gln (NM_001178133.2); short protein forms E139Q.
Identifiers: ClinVar variation 3963842 (VCV003963842.1).

ClinVar aggregate classification (germline): Uncertain significance (1 of 4 stars; one submission).

Conditions:
Hereditary cancer-predisposing syndrome. Also called: Tumor predisposition; Hereditary neoplastic syndrome; Hereditary Cancer Syndrome; Neoplastic Syndromes, Hereditary. Identifiers: Orphanet 140162, MedGen C0027672, MeSH D009386, MONDO:0015356.

Submission:

Ambry Genetics
Classification: Uncertain significance for Hereditary cancer-predisposing syndrome. Last evaluated: 2025-04-12. Review status: criteria provided, single submitter. Criteria: Ambry Variant Classification Scheme 2023. Collection method: clinical testing. Allele origin: germline.
Comment: The p.E139Q variant (also known as c.415G>C), located in coding exon 3 of the SUFU gene, results from a G to C substitution at nucleotide position 415. The glutamic acid at codon 139 is replaced by glutamine, an amino acid with highly similar properties. This amino acid position is conserved. In addition, the in silico prediction for this alteration is inconclusive. Based on the available evidence, the clinical significance of this variant remains unclear.